The following is an entry in ClinVar:

NM_032043.3(BRIP1):c.3157T>C (p.Cys1053Arg)

Gene: BRIP1 (BRCA1 interacting DNA helicase 1; minus strand). Cytogenetic location: 17q23.2.
Variant type: single nucleotide variant.
Coding change: c.3157T>C on transcript NM_032043.3 (MANE Select); coding-DNA position 3157, T replaced by C.
Protein change: p.Cys1053Arg; replaces cysteine 1053 with arginine.
Molecular consequence: missense variant.
Genome position (GRCh38, 1-based): chr17:61,683,889, A>G on the plus strand (T>C on the coding strand, the complement: BRIP1 is on the minus strand). VCF-style: chr17-61683889-A-G. GRCh37 (hg19) VCF-style: chr17-59761250-A-G.
Other names: short protein forms C1053R.
Identifiers: ClinVar variation 927453 (VCV000927453.12), dbSNP rs2061318138, ClinGen allele CA400479508.
Genomic context (GRCh38, chr17:61,683,889, plus strand): 5'-TGGTTTCTGATTGAGGGCATGATCCAAACGATGTGTTTACTGTCAGATTTGAGGATTCAC[A>G]TTTATCAGTGAAGGGCAAAACAGTTTTACTTTCCATCTTCTCTGTTTTGAAACGGGGAGG-3'
Protein context (NP_114432.2, residues 1043-1063): SKTVLPFTDK[Cys1053Arg]ESSNLTVNTS

ClinVar aggregate classification (germline): Uncertain significance. Review status: criteria provided, multiple submitters, no conflicts (2 of 4 stars). 3 submissions from 3 submitters: Uncertain significance (3). Last evaluated 2024-03-28.

Conditions:
Fanconi anemia complementation group J. Also called: BRIP1-Related Fanconi Anemia. Identifiers: Orphanet 84, MedGen C1836860, MONDO:0012187, OMIM 609054.
Familial cancer of breast. Also called: BREAST CANCER, FAMILIAL; hereditary breast carcinoma; Hereditary breast cancer. Identifiers: Orphanet 227535, MedGen C0346153, MONDO:0016419, OMIM 114480. Disease mechanism: loss of function.
Hereditary cancer-predisposing syndrome. Also called: Tumor predisposition; Hereditary neoplastic syndrome; Neoplastic Syndromes, Hereditary; Hereditary Cancer Syndrome. Identifiers: Orphanet 140162, MedGen C0027672, MeSH D009386, MONDO:0015356.

Submissions (3):

Ambry Genetics
Classification: Uncertain significance for Hereditary cancer-predisposing syndrome. Last evaluated: 2024-03-28. Review status: criteria provided, single submitter. Criteria: Ambry Variant Classification Scheme 2023. Collection method: clinical testing. Allele origin: germline.
Comment: The p.C1053R variant (also known as c.3157T>C), located in coding exon 19 of the BRIP1 gene, results from a T to C substitution at nucleotide position 3157. The cysteine at codon 1053 is replaced by arginine, an amino acid with highly dissimilar properties. This amino acid position is not well conserved in available vertebrate species. In addition, this alteration is predicted to be tolerated by in silico analysis. Since supporting evidence is limited at this time, the clinical significance of this alteration remains unclear.

Color Diagnostics, LLC DBA Color Health
Classification: Uncertain significance for Hereditary cancer-predisposing syndrome. Last evaluated: 2023-12-05. Review status: criteria provided, single submitter. Criteria: ACMG Guidelines, 2015. Collection method: clinical testing. Allele origin: germline.
Comment: This missense variant replaces cysteine with arginine at codon 1053 of the BRIP1 protein. Computational prediction suggests that this variant may not impact protein structure and function (internally defined REVEL score threshold <= 0.5, PMID: 27666373). To our knowledge, functional studies have not been reported for this variant. This variant has not been reported in individuals affected with BRIP1-related disorders in the literature. This variant has not been identified in the general population by the Genome Aggregation Database (gnomAD). The available evidence is insufficient to determine the role of this variant in disease conclusively. Therefore, this variant is classified as a Variant of Uncertain Significance.

Labcorp Genetics (formerly Invitae), Labcorp
Classification: Uncertain significance for Familial cancer of breast; Fanconi anemia complementation group J. Last evaluated: 2023-09-03. Review status: criteria provided, single submitter. Criteria: Invitae Variant Classification Sherloc (09022015). Collection method: clinical testing. Allele origin: germline.
Comment: In summary, the available evidence is currently insufficient to determine the role of this variant in disease. Therefore, it has been classified as a Variant of Uncertain Significance. An algorithm developed to predict the effect of missense changes on protein structure and function (PolyPhen-2) suggests that this variant is likely to be tolerated. ClinVar contains an entry for this variant (Variation ID: 927453). This variant has not been reported in the literature in individuals affected with BRIP1-related conditions. This variant is not present in population databases (gnomAD no frequency). This sequence change replaces cysteine, which is neutral and slightly polar, with arginine, which is basic and polar, at codon 1053 of the BRIP1 protein (p.Cys1053Arg).